The following is an entry in ClinVar:

NM_001371596.2(MFSD8):c.1427A>G (p.Tyr476Cys)

Gene: MFSD8 (major facilitator superfamily domain containing 8; minus strand). Cytogenetic location: 4q28.2.
Variant type: single nucleotide variant.
Coding change: c.1427A>G on transcript NM_001371596.2 (MANE Select); coding-DNA position 1427, A replaced by G.
Protein change: p.Tyr476Cys; replaces tyrosine 476 with cysteine.
Molecular consequence: missense variant.
Genome position (GRCh38, 1-based): chr4:127,920,760, T>C on the plus strand (A>G on the coding strand, the complement: MFSD8 is on the minus strand). VCF-style: chr4-127920760-T-C. GRCh37 (hg19) VCF-style: chr4-128841915-T-C.
Other names: c.1226A>G, p.Tyr409Cys (NM_001363520.3); c.1112A>G, p.Tyr371Cys (NM_001363521.3); c.1292A>G, p.Tyr431Cys (NM_001371590.2); c.1436A>G, p.Tyr479Cys (NM_001371591.2); c.1433A>G, p.Tyr478Cys (NM_001371592.2); c.1313A>G, p.Tyr438Cys (NM_001371593.2); c.1280A>G, p.Tyr427Cys (NM_001371594.2); c.1145A>G, p.Tyr382Cys (NM_001371595.1); and 3 more; short protein forms Y371C, Y382C, Y409C, Y427C, Y431C, Y438C, Y476C, Y478C.
Identifiers: ClinVar variation 1024993 (VCV001024993.3), dbSNP rs1291422135, ClinGen allele CA358170713.

ClinVar aggregate classification (germline): Uncertain significance (1 of 4 stars; one submission).

Conditions:
Neuronal ceroid lipofuscinosis 7 (CLN7). Also called: MFSD8-Related Neuronal Ceroid-Lipofuscinosis. Identifiers: Orphanet 168491, Orphanet 228366, MedGen C1838571, MONDO:0012588, OMIM 610951.

Allele frequency attached by ClinVar (database versions not stated): TOPMed below 0.00001.

Submission:

Labcorp Genetics (formerly Invitae), Labcorp
Classification: Uncertain significance for Neuronal ceroid lipofuscinosis 7. Last evaluated: 2022-07-05. Review status: criteria provided, single submitter. Criteria: Invitae Variant Classification Sherloc (09022015). Collection method: clinical testing. Allele origin: germline.
Comment: This sequence change replaces tyrosine, which is neutral and polar, with cysteine, which is neutral and slightly polar, at codon 476 of the MFSD8 protein (p.Tyr476Cys). This variant is not present in population databases (gnomAD no frequency). This variant has not been reported in the literature in individuals affected with MFSD8-related conditions. ClinVar contains an entry for this variant (Variation ID: 1024993). Algorithms developed to predict the effect of missense changes on protein structure and function (SIFT, PolyPhen-2, Align-GVGD) all suggest that this variant is likely to be disruptive. In summary, the available evidence is currently insufficient to determine the role of this variant in disease. Therefore, it has been classified as a Variant of Uncertain Significance.